The following is an entry in ClinVar:

ClinVar aggregate classification (germline): Uncertain significance (1 of 4 stars; one submission).

Conditions:
Hereditary cancer-predisposing syndrome. Also called: Neoplastic Syndromes, Hereditary; Tumor predisposition; Hereditary neoplastic syndrome; Hereditary Cancer Syndrome. Identifiers: Orphanet 140162, MedGen C0027672, MeSH D009386, MONDO:0015356.

Submission:

Ambry Genetics
Classification: Uncertain significance for Hereditary cancer-predisposing syndrome. Last evaluated: 2024-05-29. Review status: criteria provided, single submitter. Criteria: Ambry Variant Classification Scheme 2023. Collection method: clinical testing. Allele origin: germline.
Comment: The p.L1035Q variant (also known as c.3104T>A), located in coding exon 21 of the SMARCA4 gene, results from a T to A substitution at nucleotide position 3104. The leucine at codon 1035 is replaced by glutamine, an amino acid with dissimilar properties. This amino acid position is conserved. In addition, this alteration is predicted to be deleterious by in silico analysis. Based on the available evidence, the clinical significance of this variant remains unclear.

NM_003072.5(SMARCA4):c.3104T>A (p.Leu1035Gln)

Gene: SMARCA4 (SWI/SNF related BAF chromatin remodeling complex subunit ATPase 4; plus strand). Cytogenetic location: 19p13.2.
Variant type: single nucleotide variant.
Coding change: c.3104T>A on transcript NM_003072.5 (MANE Select); coding-DNA position 3104, T replaced by A.
Protein change: p.Leu1035Gln; replaces leucine 1035 with glutamine.
Molecular consequence: missense variant. On other transcripts: non-coding transcript variant (1).
Genome position (GRCh38, 1-based): chr19:11,025,444, T>A. VCF-style: chr19-11025444-T-A. GRCh37 (hg19) VCF-style: chr19-11136120-T-A.
Other names: c.3104T>A, p.Leu1035Gln (NM_001128848.2, NM_001128849.3, NM_001374457.1 and 6 more transcripts); short protein forms L1035Q.
Identifiers: ClinVar variation 3320756 (VCV003320756.1).